The following is an entry in ClinVar:

ClinVar aggregate classification (germline): Likely benign (1 of 4 stars; one submission).

Allele frequency attached by ClinVar (database versions not stated): ExAC 0.00003; TOPMed 0.00004; gnomAD 0.00006.

Submission:

CeGaT Center for Human Genetics Tuebingen
Classification: Likely benign. Last evaluated: 2022-07-01. Review status: criteria provided, single submitter. Criteria: CeGaT Center For Human Genetics Tuebingen Variant Classification Criteria Version 2. Collection method: clinical testing. Allele origin: germline. Affected: yes. Observed: 1 variant allele.
Comment: H1-4: BP4, BP7

NM_005321.3(H1-4):c.378C>T (p.Ala126=)

Gene: H1-4 (H1.4 linker histone, cluster member; plus strand). Cytogenetic location: 6p22.2.
Variant type: single nucleotide variant.
Coding change: c.378C>T on transcript NM_005321.3 (MANE Select); coding-DNA position 378, C replaced by T.
Protein change: p.Ala126=; no amino-acid change (alanine 126 retained).
Molecular consequence: synonymous variant.
Genome position (GRCh38, 1-based): chr6:26,156,768, C>T. VCF-style: chr6-26156768-C-T. GRCh37 (hg19) VCF-style: chr6-26156996-C-T.
Identifiers: ClinVar variation 2656304 (VCV002656304.24), dbSNP rs745344994, ClinGen allele CA3668081.